The following is an entry in ClinVar:

ClinVar aggregate classification (germline): Benign/Likely benign. Review status: criteria provided, multiple submitters, no conflicts (2 of 4 stars). 7 submissions from 7 submitters: Benign (2); Likely benign (5). Last evaluated 2026-01-09.

Conditions:
Inborn genetic diseases. Identifiers: MedGen C0950123, MeSH D030342.
Mowat-Wilson syndrome (MOWS). Also called: Classic Mowat-Wilson Syndrome. Identifiers: Orphanet 2152, MedGen C1856113, MONDO:0009341, OMIM 235730.

Allele frequency attached by ClinVar (database versions not stated): gnomAD exomes 0.00005 and 0.00011; ExAC 0.00007; ESP Exome Variant Server 0.00008; TOPMed 0.00012; gnomAD 0.00013 and 0.00014.
gnomAD v4.1: 95 of 1,614,064 alleles (0.0059%); highest among the groups gnomAD compares: Middle Eastern, 0.049%; no homozygotes.

Submissions (7):

Labcorp Genetics (formerly Invitae), Labcorp
Classification: Likely benign for Mowat-Wilson syndrome. Last evaluated: 2026-01-09. Review status: criteria provided, single submitter. Criteria: Invitae Variant Classification Sherloc (09022015). Collection method: clinical testing. Allele origin: germline.

Mayo Clinic Laboratories, Mayo Clinic
Classification: Likely benign. Last evaluated: 2025-09-23. Review status: criteria provided, single submitter. Criteria: ACMG Guidelines, 2015. Collection method: clinical testing. Allele origin: germline. Observed: 1 variant allele.
Comment: BS2, BP4, BP7

CeGaT Center for Human Genetics Tuebingen
Classification: Likely benign. Last evaluated: 2025-01-01. Review status: criteria provided, single submitter. Criteria: CeGaT Center For Human Genetics Tuebingen Variant Classification Criteria Version 2. Collection method: clinical testing. Allele origin: germline. Affected: yes. Observed: 3 variant alleles.
Comment: ZEB2: BP4, BP7

Blueprint Genetics
Classification: Likely benign. Last evaluated: 2024-09-16. Review status: criteria provided, single submitter. Criteria: ACMG Guidelines, 2015. Collection method: clinical testing. Allele origin: germline.

Genome-Nilou Lab
Classification: Benign for Mowat-Wilson syndrome. Last evaluated: 2021-11-07. Review status: criteria provided, single submitter. Criteria: ACMG Guidelines, 2015. Collection method: clinical testing. Allele origin: germline. Affected: no.

GeneDx
Classification: Benign. Last evaluated: 2019-02-14. Review status: criteria provided, single submitter. Criteria: GeneDx Variant Classification Process June 2021. Collection method: clinical testing. Allele origin: germline. Affected: yes.

Ambry Genetics
Classification: Likely benign for Inborn genetic diseases. Last evaluated: 2018-01-16. Review status: criteria provided, single submitter. Criteria: Ambry Variant Classification Scheme 2023. Collection method: clinical testing. Allele origin: germline.

NM_014795.4(ZEB2):c.2457A>G (p.Ser819=)

Gene: ZEB2 (zinc finger E-box binding homeobox 2; minus strand). Cytogenetic location: 2q22.3.
Variant type: single nucleotide variant.
Coding change: c.2457A>G on transcript NM_014795.4 (MANE Select); coding-DNA position 2457, A replaced by G.
Protein change: p.Ser819=; no amino-acid change (serine 819 retained).
Molecular consequence: synonymous variant.
Genome position (GRCh38, 1-based): chr2:144,398,730, T>C on the plus strand (A>G on the coding strand, the complement: ZEB2 is on the minus strand). VCF-style: chr2-144398730-T-C. GRCh37 (hg19) VCF-style: chr2-145156297-T-C.
Other names: p.Ser819=; c.2385A>G, p.Ser795= (NM_001171653.2).
Identifiers: ClinVar variation 378870 (VCV000378870.44), dbSNP rs144184948, ClinGen allele CA1898245.